The following is an entry in ClinVar:

NM_139057.4(ADAMTS17):c.1182-4A>G

Gene: ADAMTS17 (ADAM metallopeptidase with thrombospondin type 1 motif 17; minus strand). Cytogenetic location: 15q26.3.
Variant type: single nucleotide variant.
Coding change: c.1182-4A>G on transcript NM_139057.4 (MANE Select); 4 bases into the intron before coding-DNA position 1182, A replaced by G.
Molecular consequence: intron variant.
Genome position (GRCh38, 1-based): chr15:100,155,324, T>C on the plus strand (A>G on the coding strand, the complement: ADAMTS17 is on the minus strand). VCF-style: chr15-100155324-T-C. GRCh37 (hg19) VCF-style: chr15-100695529-T-C.
Other names: p.?.
Identifiers: ClinVar variation 4684033 (VCV004684033.1).

ClinVar aggregate classification (germline): Likely benign (1 of 4 stars; one submission).

Submission:

Mayo Clinic Laboratories, Mayo Clinic
Classification: Likely benign. Last evaluated: 2025-04-15. Review status: criteria provided, single submitter. Criteria: ACMG Guidelines, 2015. Collection method: clinical testing. Allele origin: germline. Observed: 1 variant allele.
Comment: BP4, BP7, PM2_supporting